The following is an entry in ClinVar:

NM_001371272.1(RAB11FIP5):c.3963C>G (p.Gly1321=)

Gene: RAB11FIP5 (RAB11 family interacting protein 5; minus strand). Cytogenetic location: 2p13.2.
Variant type: single nucleotide variant.
Coding change: c.3963C>G on transcript NM_001371272.1 (MANE Select); coding-DNA position 3963, C replaced by G.
Protein change: p.Gly1321=; no amino-acid change (glycine 1321 retained).
Molecular consequence: synonymous variant.
Genome position (GRCh38, 1-based): chr2:73,075,533, G>C on the plus strand (C>G on the coding strand, the complement: RAB11FIP5 is on the minus strand). VCF-style: chr2-73075533-G-C. GRCh37 (hg19) VCF-style: chr2-73302661-G-C.
Other names: c.1950C>G, p.Gly650= (NM_015470.3).
Identifiers: ClinVar variation 3043195 (VCV003043195.2), dbSNP rs149355459, ClinGen allele CA1709865.
Genomic context (GRCh38, chr2:73,075,533, plus strand): 5'-GGCAGCAATAGGTCCATGCCAACCCTCCTGGGGGTAGGGTGAGGAAGGCTATTTGGGGGG[G>C]CCCGGGGGGATCTGCAGCAGCGTGGGTGAGGTCTCCATGATCCGCACCAGCAGCCGGTCG-3'
Protein context (NP_001358201.1, residues 1311-1324): TSPTLLQIPP[Gly1321=]PPK

ClinVar aggregate classification (germline): Likely benign (0 of 4 stars; one submission).

Conditions:
RAB11FIP5-related disorder. Also called: RAB11FIP5-related condition.

Submission:

PreventionGenetics, part of Exact Sciences
Classification: Likely benign for RAB11FIP5-related condition. Last evaluated: 2019-07-01. Review status: no assertion criteria provided. Collection method: clinical testing. Allele origin: germline.
Comment: This variant is classified as likely benign based on ACMG/AMP sequence variant interpretation guidelines (Richards et al. 2015 PMID: 25741868, with internal and published modifications).